The following is an entry in ClinVar:

NM_206933.4(USH2A):c.14293G>A (p.Val4765Ile)

Gene: USH2A (usherin; minus strand). Cytogenetic location: 1q41.
Variant type: single nucleotide variant.
Coding change: c.14293G>A on transcript NM_206933.4 (MANE Select); coding-DNA position 14293, G replaced by A.
Protein change: p.Val4765Ile; replaces valine 4765 with isoleucine.
Molecular consequence: missense variant.
Genome position (GRCh38, 1-based): chr1:215,650,642, C>T on the plus strand (G>A on the coding strand, the complement: USH2A is on the minus strand). VCF-style: chr1-215650642-C-T. GRCh37 (hg19) VCF-style: chr1-215823984-C-T.
Other names: c.14293G>A (NM_206933.2); short protein forms V4765I.
Identifiers: ClinVar variation 2154079 (VCV002154079.5), dbSNP rs530395989, ClinGen allele CA1393068.
Genomic context (GRCh38, chr1:215,650,642, plus strand): 5'-TGCTGCTCACCACTGTCTCAGCCCCATGGGCGCTGCTGGAGAACAGCCTGTAGAGACTGA[C>T]GATCCCGTTGGGCTTCCCAGGGGCACTGATGTTGACCACTGCTTGGGTAGAAGAGATCAC-3'
Protein context (NP_996816.3, residues 4755-4775): ISAPGKPNGI[Val4765Ile]SLYRLFSSSA

ClinVar aggregate classification (germline): Conflicting classifications of pathogenicity. Review status: criteria provided, conflicting classifications (1 of 4 stars). 4 submissions from 4 submitters: Uncertain significance (3); Likely benign (1). Last evaluated 2026-04-02.

Conditions:
Inborn genetic diseases. Identifiers: MedGen C0950123, MeSH D030342.

Allele frequency attached by ClinVar (database versions not stated): 1000 Genomes Project 30x 0.00016; gnomAD 0.00003; ExAC 0.00002; TOPMed 0.00004; 1000 Genomes Project 0.00020.
gnomAD v4.1: 36 of 1,614,182 alleles (0.0022%); highest among the groups gnomAD compares: Admixed American, 0.005%; no homozygotes.

Submissions (4):

GeneDx
Classification: Uncertain significance. Last evaluated: 2026-04-02. Review status: criteria provided, single submitter. Criteria: GeneDx Variant Classification Process June 2021. Collection method: clinical testing. Allele origin: germline.
Comment: Not observed at significant frequency in large population cohorts (gnomAD); In silico analysis suggests that this missense variant does not alter protein structure/function; Has not been previously published as pathogenic or benign to our knowledge

Blueprint Genetics
Classification: Uncertain significance. Last evaluated: 2024-10-07. Review status: criteria provided, single submitter. Criteria: ACMG Guidelines, 2015. Collection method: clinical testing. Allele origin: germline.

Labcorp Genetics (formerly Invitae), Labcorp
Classification: Uncertain significance. Last evaluated: 2024-04-14. Review status: criteria provided, single submitter. Criteria: Invitae Variant Classification Sherloc (09022015). Collection method: clinical testing. Allele origin: germline.
Comment: This sequence change replaces valine, which is neutral and non-polar, with isoleucine, which is neutral and non-polar, at codon 4765 of the USH2A protein (p.Val4765Ile). This variant is present in population databases (rs530395989, gnomAD 0.006%). This variant has not been reported in the literature in individuals affected with USH2A-related conditions. ClinVar contains an entry for this variant (Variation ID: 2154079). Advanced modeling of protein sequence and biophysical properties (such as structural, functional, and spatial information, amino acid conservation, physicochemical variation, residue mobility, and thermodynamic stability) performed at Invitae indicates that this missense variant is not expected to disrupt USH2A protein function with a negative predictive value of 95%. In summary, the available evidence is currently insufficient to determine the role of this variant in disease. Therefore, it has been classified as a Variant of Uncertain Significance.

Ambry Genetics
Classification: Likely benign for Inborn genetic diseases. Last evaluated: 2021-09-27. Review status: criteria provided, single submitter. Criteria: Ambry Variant Classification Scheme 2023. Collection method: clinical testing. Allele origin: germline.